The following is an entry in ClinVar:

NM_000081.4(LYST):c.7234G>T (p.Asp2412Tyr)

Gene: LYST (lysosomal trafficking regulator; minus strand). Cytogenetic location: 1q42.3.
Variant type: single nucleotide variant.
Coding change: c.7234G>T on transcript NM_000081.4 (MANE Select); coding-DNA position 7234, G replaced by T.
Protein change: p.Asp2412Tyr; replaces aspartic acid 2412 with tyrosine.
Molecular consequence: missense variant.
Genome position (GRCh38, 1-based): chr1:235,753,270, C>A on the plus strand (G>T on the coding strand, the complement: LYST is on the minus strand). VCF-style: chr1-235753270-C-A. GRCh37 (hg19) VCF-style: chr1-235916570-C-A.
Other names: c.7234G>T, p.Asp2412Tyr (NM_001301365.1); short protein forms D2412Y.
Identifiers: ClinVar variation 1007489 (VCV001007489.5), dbSNP rs2527734699, ClinGen allele CA344932930.

ClinVar aggregate classification (germline): Uncertain significance (1 of 4 stars; one submission).

Conditions:
Chédiak-Higashi syndrome (CHS). Also called: Chediak-Higashi Syndrome. Identifiers: Orphanet 167, MedGen C0007965, MONDO:0008963, OMIM 214500.

Allele frequency attached by ClinVar (database versions not stated): gnomAD exomes below 0.00001.
gnomAD v4.1: 1 of 1,557,584 alleles (0.000064%); highest among the groups gnomAD compares: South Asian, 0.0011%; no homozygotes.

Submission:

Labcorp Genetics (formerly Invitae), Labcorp
Classification: Uncertain significance for Chédiak-Higashi syndrome. Last evaluated: 2020-02-20. Review status: criteria provided, single submitter. Criteria: Invitae Variant Classification Sherloc (09022015). Collection method: clinical testing. Allele origin: germline.
Comment: In summary, the available evidence is currently insufficient to determine the role of this variant in disease. Therefore, it has been classified as a Variant of Uncertain Significance. Algorithms developed to predict the effect of missense changes on protein structure and function are either unavailable or do not agree on the potential impact of this missense change (SIFT: "Deleterious"; PolyPhen-2: "Benign"; Align-GVGD: "Class C45"). This variant has not been reported in the literature in individuals with LYST-related conditions. This variant is not present in population databases (ExAC no frequency). This sequence change replaces aspartic acid with tyrosine at codon 2412 of the LYST protein (p.Asp2412Tyr). The aspartic acid residue is highly conserved and there is a large physicochemical difference between aspartic acid and tyrosine.